The following is an entry in ClinVar:

NM_000548.5(TSC2):c.2699G>A (p.Cys900Tyr)

Gene: TSC2 (TSC complex subunit 2; plus strand). Cytogenetic location: 16p13.3.
Variant type: single nucleotide variant.
Coding change: c.2699G>A on transcript NM_000548.5 (MANE Select); coding-DNA position 2699, G replaced by A.
Protein change: p.Cys900Tyr; replaces cysteine 900 with tyrosine.
Molecular consequence: missense variant.
Genome position (GRCh38, 1-based): chr16:2,076,127, G>A. VCF-style: chr16-2076127-G-A. GRCh37 (hg19) VCF-style: chr16-2126128-G-A.
Other names: c.2699G>A, p.Cys900Tyr (NM_001077183.3, NM_001114382.3, NM_001363528.2 and 3 more transcripts); c.2588G>A, p.Cys863Tyr (NM_001318827.2); c.2552G>A, p.Cys851Tyr (NM_001318829.2); c.2099G>A, p.Cys700Tyr (NM_001318831.2); c.2732G>A, p.Cys911Tyr (NM_001318832.2); short protein forms C863Y, C900Y, C700Y, C911Y, C851Y.
Identifiers: ClinVar variation 1455380 (VCV001455380.8), dbSNP rs2089323124, ClinGen allele CA394279431.

ClinVar aggregate classification (germline): Pathogenic (1 of 4 stars; one submission).

Conditions:
Tuberous sclerosis 2 (TSC2). Identifiers: Orphanet 805, MedGen C1860707, MONDO:0013199, OMIM 613254.

Submission:

Labcorp Genetics (formerly Invitae), Labcorp
Classification: Pathogenic for Tuberous sclerosis 2. Last evaluated: 2021-08-07. Review status: criteria provided, single submitter. Criteria: Invitae Variant Classification Sherloc (09022015). Collection method: clinical testing. Allele origin: germline.
Comment: This sequence change replaces cysteine with tyrosine at codon 900 of the TSC2 protein (p.Cys900Tyr). The cysteine residue is highly conserved and there is a large physicochemical difference between cysteine and tyrosine. This variant is not present in population databases (ExAC no frequency). This variant has been observed in individuals with Tuberous sclerosis complex (PMID: 29432982; Invitae). Advanced modeling of protein sequence and biophysical properties (such as structural, functional, and spatial information, amino acid conservation, physicochemical variation, residue mobility, and thermodynamic stability) performed at Invitae indicates that this missense variant is expected to disrupt TSC2 protein function. For these reasons, this variant has been classified as Pathogenic.

Literature cited by the submitters: PubMed 29432982.